The following is an entry in ClinVar:

ClinVar aggregate classification (germline): Benign/Likely benign. Review status: criteria provided, multiple submitters, no conflicts (2 of 4 stars). 6 submissions from 6 submitters: Benign (4); Likely benign (2). Last evaluated 2026-03-30.

Conditions:
Combined immunodeficiency due to ZAP70 deficiency (IMD48). Also called: ZAP70 Deficiency; Immunodeficiency 48. Identifiers: Orphanet 911, MedGen C2931299, MONDO:0010023, OMIM 269840.

Allele frequency attached by ClinVar (database versions not stated): gnomAD exomes 0.00280; gnomAD 0.01110 and 0.01047; ExAC 0.00357; 1000 Genomes Project 0.01318; TOPMed 0.01129; ESP Exome Variant Server 0.01153; 1000 Genomes Project 30x 0.01390.
gnomAD v4.1: 2,987 of 1,614,134 alleles (0.19%); highest among the groups gnomAD compares: African/African-American, 3.4%; 49 homozygotes.

Submissions (6):

Women's Health and Genetics/Laboratory Corporation of America, LabCorp
Classification: Benign. Last evaluated: 2026-03-30. Review status: criteria provided, single submitter. Criteria: LabCorp Variant Classification Summary - May 2015. Collection method: clinical testing. Allele origin: germline.

Labcorp Genetics (formerly Invitae), Labcorp
Classification: Benign for Combined immunodeficiency due to ZAP70 deficiency. Last evaluated: 2026-02-03. Review status: criteria provided, single submitter. Criteria: Invitae Variant Classification Sherloc (09022015). Collection method: clinical testing. Allele origin: germline.

Mayo Clinic Laboratories, Mayo Clinic
Classification: Benign. Last evaluated: 2020-09-10. Review status: criteria provided, single submitter. Criteria: ACMG Guidelines, 2015. Collection method: clinical testing. Allele origin: germline. Observed: 5 variant alleles.

Illumina Laboratory Services, Illumina
Classification: Likely benign for Combined immunodeficiency due to ZAP70 deficiency. Last evaluated: 2017-04-27. Review status: criteria provided, single submitter. Criteria: ICSL Variant Classification Criteria 13 December 2019. Collection method: clinical testing. Allele origin: germline.
Comment: This variant was observed as part of a predisposition screen in an ostensibly healthy population. A literature search was performed for the gene, cDNA change, and amino acid change (where applicable). No publications were found based on this search. Allele frequency data from public databases allowed determination this variant is unlikely to cause disease. Therefore, this variant is classified as likely benign.

GeneDx
Classification: Benign. Last evaluated: 2015-03-03. Review status: criteria provided, single submitter. Criteria: GeneDx Variant Classification Process June 2021. Collection method: clinical testing. Allele origin: germline. Affected: yes.

Breakthrough Genomics
Classification: Likely benign. Review status: criteria provided, single submitter. Criteria: ACMG Guidelines, 2015. Collection method: not provided. Allele origin: germline. Inheritance: Autosomal recessive inheritance. Affected: yes.

NM_001079.4(ZAP70):c.672C>T (p.Pro224=)

Gene: ZAP70 (zeta chain of T cell receptor associated protein kinase 70; plus strand). Cytogenetic location: 2q11.2.
Variant type: single nucleotide variant.
Coding change: c.672C>T on transcript NM_001079.4 (MANE Select); coding-DNA position 672, C replaced by T.
Protein change: p.Pro224=; no amino-acid change (proline 224 retained).
Molecular consequence: synonymous variant.
Genome position (GRCh38, 1-based): chr2:97,732,991, C>T. VCF-style: chr2-97732991-C-T. GRCh37 (hg19) VCF-style: chr2-98349454-C-T.
Other names: p.Pro224=; c.672C>T, p.Pro224= (NM_001378594.1).
Identifiers: ClinVar variation 337631 (VCV000337631.19), dbSNP rs56340622, ClinGen allele CA1790167.